The following is an entry in ClinVar:

NM_007254.4(PNKP):c.1449G>C (p.Arg483Ser)

Gene: PNKP (polynucleotide kinase 3'-phosphatase; minus strand). Cytogenetic location: 19q13.33.
Variant type: single nucleotide variant.
Coding change: c.1449G>C on transcript NM_007254.4 (MANE Select); coding-DNA position 1449, G replaced by C.
Protein change: p.Arg483Ser; replaces arginine 483 with serine.
Molecular consequence: missense variant.
Genome position (GRCh38, 1-based): chr19:49,861,365, C>G on the plus strand (G>C on the coding strand, the complement: PNKP is on the minus strand). VCF-style: chr19-49861365-C-G. GRCh37 (hg19) VCF-style: chr19-50364622-C-G.
Other names: short protein forms R483S.
Identifiers: ClinVar variation 423477 (VCV000423477.3), dbSNP rs747689609, ClinGen allele CA16620872.

ClinVar aggregate classification (germline): Uncertain significance (1 of 4 stars; one submission).

Allele frequency attached by ClinVar (database versions not stated): TOPMed below 0.00001.
gnomAD v4.1: 19 of 1,614,080 alleles (0.0012%); highest among the groups gnomAD compares: Non-Finnish European, 0.0015%; no homozygotes.

Submission:

GeneDx
Classification: Uncertain significance. Last evaluated: 2023-08-04. Review status: criteria provided, single submitter. Criteria: GeneDx Variant Classification Process June 2021. Collection method: clinical testing. Allele origin: germline. Affected: yes.
Comment: Not observed at significant frequency in large population cohorts (gnomAD); In silico analysis supports that this missense variant does not alter protein structure/function; Has not been previously published as pathogenic or benign to our knowledge; This variant is associated with the following publications: (PMID: 22508754)